The following is an entry in ClinVar:

ClinVar aggregate classification (germline): Uncertain significance. Review status: criteria provided, multiple submitters, no conflicts (2 of 4 stars). 2 submissions from 2 submitters: Uncertain significance (2). Last evaluated 2022-08-10.

Conditions:
Leber congenital amaurosis 1 (LCA1). Also called: Congenital absence of the rods and cones; Leber's congenital tapetoretinal degeneration; Leber's congenital tapetoretinal dysplasia; RETINAL BLINDNESS, CONGENITAL; AMAUROSIS CONGENITA OF LEBER I. Identifiers: Orphanet 65, MedGen C2931258, MONDO:0008764, OMIM 204000.
Cone-rod dystrophy 6 (CORD6). Also called: Cone dystrophy progressive; RETINAL CONE DYSTROPHY 2. Identifiers: Orphanet 1872, MedGen C1866293, MONDO:0011143, OMIM 601777.

Submissions (2):

Labcorp Genetics (formerly Invitae), Labcorp
Classification: Uncertain significance for Leber congenital amaurosis 1; Cone-rod dystrophy 6. Last evaluated: 2022-08-10. Review status: criteria provided, single submitter. Criteria: Invitae Variant Classification Sherloc (09022015). Collection method: clinical testing. Allele origin: germline.
Comment: In summary, the available evidence is currently insufficient to determine the role of this variant in disease. Therefore, it has been classified as a Variant of Uncertain Significance. Algorithms developed to predict the effect of missense changes on protein structure and function (SIFT, PolyPhen-2, Align-GVGD) all suggest that this variant is likely to be tolerated. This variant has not been reported in the literature in individuals affected with GUCY2D-related conditions. This variant is not present in population databases (gnomAD no frequency). This sequence change replaces arginine, which is basic and polar, with leucine, which is neutral and non-polar, at codon 383 of the GUCY2D protein (p.Arg383Leu).

Blueprint Genetics
Classification: Uncertain significance. Last evaluated: 2020-08-14. Review status: criteria provided, single submitter. Criteria: ACMG Guidelines, 2015. Collection method: clinical testing. Allele origin: germline.

NM_000180.4(GUCY2D):c.1148G>T (p.Arg383Leu)

Gene: GUCY2D (guanylate cyclase 2D, retinal; plus strand). Cytogenetic location: 17p13.1.
Variant type: single nucleotide variant.
Coding change: c.1148G>T on transcript NM_000180.4 (MANE Select); coding-DNA position 1148, G replaced by T.
Protein change: p.Arg383Leu; replaces arginine 383 with leucine.
Molecular consequence: missense variant.
Genome position (GRCh38, 1-based): chr17:8,006,484, G>T. VCF-style: chr17-8006484-G-T. GRCh37 (hg19) VCF-style: chr17-7909802-G-T.
Other names: short protein forms R383L.
Identifiers: ClinVar variation 2171791 (VCV002171791.3), dbSNP rs373827556, ClinGen allele CA397947837.